The following is an entry in ClinVar:

NM_080680.3(COL11A2):c.241C>T (p.Pro81Ser)

Gene: COL11A2 (collagen type XI alpha 2 chain; minus strand). Cytogenetic location: 6p21.32.
Variant type: single nucleotide variant.
Coding change: c.241C>T on transcript NM_080680.3 (MANE Select); coding-DNA position 241, C replaced by T.
Protein change: p.Pro81Ser; replaces proline 81 with serine.
Molecular consequence: missense variant. On other transcripts: 5 prime UTR variant (3), non-coding transcript variant (1).
Genome position (GRCh38, 1-based): chr6:33,189,180, G>A on the plus strand (C>T on the coding strand, the complement: COL11A2 is on the minus strand). VCF-style: chr6-33189180-G-A. GRCh37 (hg19) VCF-style: chr6-33156957-G-A.
Other names: c.241C>T, p.Pro81Ser (NM_001163771.2, NM_001424108.1, NM_080679.3 and 1 more transcripts); c.-606C>T (NM_001424109.1, NM_001424110.1, NM_001424111.1); short protein forms P81S.
Identifiers: ClinVar variation 2717877 (VCV002717877.3), dbSNP rs1772792239, ClinGen allele CA363612895.
Genomic context (GRCh38, chr6:33,189,180, plus strand): 5'-GGAGGGGAGCTTGGAGACCAGGGCGGGTCCGGACAACAGTCAGCAGAGAGAAATCTTTGG[G>A]AAATCCTCCTAGTAACCGAGAGAGATACACACAGAGTGAGAGGCAAAGGGAGCCGCCACA-3'
Protein context (NP_542411.2, residues 71-91): PTRQLFPGGF[Pro81Ser]KDFSLLTVVR

ClinVar aggregate classification (germline): Uncertain significance (1 of 4 stars; one submission).

Allele frequency attached by ClinVar (database versions not stated): gnomAD exomes 0.00001.

Submission:

Labcorp Genetics (formerly Invitae), Labcorp
Classification: Uncertain significance. Last evaluated: 2025-06-14. Review status: criteria provided, single submitter. Criteria: Invitae Variant Classification Sherloc (09022015). Collection method: clinical testing. Allele origin: germline.
Comment: This sequence change replaces proline, which is neutral and non-polar, with serine, which is neutral and polar, at codon 81 of the COL11A2 protein (p.Pro81Ser). This variant is not present in population databases (gnomAD no frequency). This variant has not been reported in the literature in individuals affected with COL11A2-related conditions. ClinVar contains an entry for this variant (Variation ID: 2717877). An algorithm developed to predict the effect of missense changes on protein structure and function (PolyPhen-2) suggests that this variant is likely to be disruptive. In summary, the available evidence is currently insufficient to determine the role of this variant in disease. Therefore, it has been classified as a Variant of Uncertain Significance.